The following is an entry in ClinVar:

ClinVar aggregate classification (germline): Uncertain significance (1 of 4 stars; one submission).

Conditions:
Cardiovascular phenotype. Identifiers: MedGen CN230736.

Allele frequency attached by ClinVar (database versions not stated): ExAC 0.00001; gnomAD exomes 0.00001.
gnomAD v4.1: 17 of 1,613,554 alleles (0.0011%); highest among the groups gnomAD compares: East Asian, 0.0022%; no homozygotes.

Submission:

Ambry Genetics
Classification: Uncertain significance for Cardiovascular phenotype. Last evaluated: 2024-01-12. Review status: criteria provided, single submitter. Criteria: Ambry Variant Classification Scheme 2023. Collection method: clinical testing. Allele origin: germline.
Comment: The p.E1358K variant (also known as c.4072G>A), located in coding exon 27 of the MYH6 gene, results from a G to A substitution at nucleotide position 4072. The glutamic acid at codon 1358 is replaced by lysine, an amino acid with similar properties. This amino acid position is conserved. In addition, the in silico prediction for this alteration is inconclusive. Since supporting evidence is limited at this time, the clinical significance of this alteration remains unclear.

NM_002471.4(MYH6):c.4072G>A (p.Glu1358Lys)

Gene: MYH6 (myosin heavy chain 6; minus strand). Cytogenetic location: 14q11.2.
Variant type: single nucleotide variant.
Coding change: c.4072G>A on transcript NM_002471.4 (MANE Select); coding-DNA position 4072, G replaced by A.
Protein change: p.Glu1358Lys; replaces glutamic acid 1358 with lysine.
Molecular consequence: missense variant.
Genome position (GRCh38, 1-based): chr14:23,388,962, C>T on the plus strand (G>A on the coding strand, the complement: MYH6 is on the minus strand). VCF-style: chr14-23388962-C-T. GRCh37 (hg19) VCF-style: chr14-23858171-C-T.
Other names: short protein forms E1358K.
Identifiers: ClinVar variation 1737567 (VCV001737567.2), dbSNP rs762503839, ClinGen allele CA7114936.